The following is an entry in ClinVar:

ClinVar aggregate classification (germline): Uncertain significance (1 of 4 stars; one submission).

Allele frequency attached by ClinVar (database versions not stated): gnomAD exomes below 0.00001; TOPMed below 0.00001; gnomAD 0.00001.
gnomAD v4.1: 3 of 1,613,716 alleles (0.00019%); highest among the groups gnomAD compares: Non-Finnish European, 0.00025%; no homozygotes.

Submission:

Labcorp Genetics (formerly Invitae), Labcorp
Classification: Uncertain significance. Last evaluated: 2022-05-20. Review status: criteria provided, single submitter. Criteria: Invitae Variant Classification Sherloc (09022015). Collection method: clinical testing. Allele origin: germline.
Comment: This sequence change replaces methionine, which is neutral and non-polar, with valine, which is neutral and non-polar, at codon 241 of the EXOSC9 protein (p.Met241Val). This variant is not present in population databases (gnomAD no frequency). In summary, the available evidence is currently insufficient to determine the role of this variant in disease. Therefore, it has been classified as a Variant of Uncertain Significance. Algorithms developed to predict the effect of missense changes on protein structure and function are either unavailable or do not agree on the potential impact of this missense change (SIFT: "Deleterious"; PolyPhen-2: "Benign"; Align-GVGD: "Class C15"). This variant has not been reported in the literature in individuals affected with EXOSC9-related conditions.

NM_005033.3(EXOSC9):c.721A>G (p.Met241Val)

Gene: EXOSC9 (exosome component 9; plus strand). Cytogenetic location: 4q27.
Variant type: single nucleotide variant.
Coding change: c.721A>G on transcript NM_005033.3 (MANE Select); coding-DNA position 721, A replaced by G.
Protein change: p.Met241Val; replaces methionine 241 with valine.
Molecular consequence: missense variant.
Genome position (GRCh38, 1-based): chr4:121,810,082, A>G. VCF-style: chr4-121810082-A-G. GRCh37 (hg19) VCF-style: chr4-122731237-A-G.
Other names: c.721A>G, p.Met241Val (NM_001034194.2); short protein forms M241V.
Identifiers: ClinVar variation 1959720 (VCV001959720.5), dbSNP rs1727168421, ClinGen allele CA358044681.